The following is an entry in ClinVar:

ClinVar aggregate classification (germline): Uncertain significance. Review status: criteria provided, multiple submitters, no conflicts (2 of 4 stars). 2 submissions from 2 submitters: Uncertain significance (2). Last evaluated 2022-09-13.

Conditions:
Adams-Oliver syndrome 5 (AOS5). Identifiers: Orphanet 974, MedGen C4014970, MONDO:0014459, OMIM 616028.
Familial thoracic aortic aneurysm and aortic dissection (TAAD). Also called: Thoracic aortic aneurysms and dissections. Identifiers: Orphanet 91387, MedGen C4707243, MONDO:0019625.

Allele frequency attached by ClinVar (database versions not stated): gnomAD exomes 0.00001.
gnomAD v4.1: 3 of 1,613,146 alleles (0.00019%); highest among the groups gnomAD compares: Admixed American, 0.0017%; no homozygotes.

Submissions (2):

Labcorp Genetics (formerly Invitae), Labcorp
Classification: Uncertain significance for Adams-Oliver syndrome 5. Last evaluated: 2022-09-13. Review status: criteria provided, single submitter. Criteria: Invitae Variant Classification Sherloc (09022015). Collection method: clinical testing. Allele origin: germline.
Comment: In summary, the available evidence is currently insufficient to determine the role of this variant in disease. Therefore, it has been classified as a Variant of Uncertain Significance. Advanced modeling of protein sequence and biophysical properties (such as structural, functional, and spatial information, amino acid conservation, physicochemical variation, residue mobility, and thermodynamic stability) performed at Invitae indicates that this missense variant is not expected to disrupt NOTCH1 protein function. This sequence change replaces glutamic acid, which is acidic and polar, with glutamine, which is neutral and polar, at codon 1819 of the NOTCH1 protein (p.Glu1819Gln). ClinVar contains an entry for this variant (Variation ID: 1063986). This variant has not been reported in the literature in individuals affected with NOTCH1-related conditions. This variant is not present in population databases (gnomAD no frequency).

Ambry Genetics
Classification: Uncertain significance for Familial thoracic aortic aneurysm and aortic dissection. Last evaluated: 2022-07-25. Review status: criteria provided, single submitter. Criteria: Ambry Variant Classification Scheme 2023. Collection method: clinical testing. Allele origin: germline.
Comment: The p.E1819Q variant (also known as c.5455G>C), located in coding exon 29 of the NOTCH1 gene, results from a G to C substitution at nucleotide position 5455. The glutamic acid at codon 1819 is replaced by glutamine, an amino acid with highly similar properties. This amino acid position is conserved. In addition, this alteration is predicted to be tolerated by in silico analysis. Since supporting evidence is limited at this time, the clinical significance of this alteration remains unclear.

NM_017617.5(NOTCH1):c.5455G>C (p.Glu1819Gln)

Gene: NOTCH1 (notch receptor 1; minus strand). Cytogenetic location: 9q34.3.
Variant type: single nucleotide variant.
Coding change: c.5455G>C on transcript NM_017617.5 (MANE Select); coding-DNA position 5455, G replaced by C.
Protein change: p.Glu1819Gln; replaces glutamic acid 1819 with glutamine.
Molecular consequence: missense variant.
Genome position (GRCh38, 1-based): chr9:136,502,018, C>G on the plus strand (G>C on the coding strand, the complement: NOTCH1 is on the minus strand). VCF-style: chr9-136502018-C-G. GRCh37 (hg19) VCF-style: chr9-139396470-C-G.
Other names: short protein forms E1819Q.
Identifiers: ClinVar variation 1063986 (VCV001063986.11), dbSNP rs2133329789, ClinGen allele CA375639872.
Genomic context (GRCh38, chr9:136,502,018, plus strand): 5'-CAGGTGCCCGGGAGCCCAGGAGCCCGGGAGCCTCGCGACTCACCCGGAACTTCTTGGTCT[C>G]CAGGTCCTCGTCCCCCCACTCATTCTGGTTGTCGTCCATGAGGGCACCGTCTGAAGCGTT-3'
Protein context (NP_060087.3, residues 1809-1829): NQNEWGDEDL[Glu1819Gln]TKKFRFEEPV